The following is an entry in ClinVar:

ClinVar aggregate classification (germline): Uncertain significance (1 of 4 stars; one submission).

Submission:

Ambry Genetics
Classification: Uncertain significance. Last evaluated: 2021-11-21. Review status: criteria provided, single submitter. Criteria: Ambry Variant Classification Scheme 2023. Collection method: clinical testing. Allele origin: germline.
Comment: The p.F267Y variant (also known as c.800T>A), located in coding exon 1 of the PALLD gene, results from a T to A substitution at nucleotide position 800. The phenylalanine at codon 267 is replaced by tyrosine, an amino acid with highly similar properties. This amino acid position is conserved. In addition, this alteration is predicted to be tolerated by in silico analysis. Since supporting evidence is limited at this time, the clinical significance of this alteration remains unclear.

NM_001166108.2(PALLD):c.800T>A (p.Phe267Tyr)

Gene: PALLD (palladin, cytoskeletal associated protein; plus strand). Cytogenetic location: 4q32.3.
Variant type: single nucleotide variant.
Coding change: c.800T>A on transcript NM_001166108.2 (MANE Select); coding-DNA position 800, T replaced by A.
Protein change: p.Phe267Tyr; replaces phenylalanine 267 with tyrosine.
Molecular consequence: missense variant.
Genome position (GRCh38, 1-based): chr4:168,512,304, T>A. VCF-style: chr4-168512304-T-A. GRCh37 (hg19) VCF-style: chr4-169433455-T-A.
Other names: c.800T>A, p.Phe267Tyr (NM_016081.4); short protein forms F267Y.
Identifiers: ClinVar variation 1761640 (VCV001761640.2), dbSNP rs1426329141, ClinGen allele CA358728405.